The following is an entry in ClinVar:

NM_000834.5(GRIN2B):c.3966A>G (p.Val1322=)

Gene: GRIN2B (glutamate ionotropic receptor NMDA type subunit 2B; minus strand). Cytogenetic location: 12p13.1.
Variant type: single nucleotide variant.
Coding change: c.3966A>G on transcript NM_000834.5 (MANE Select); coding-DNA position 3966, A replaced by G.
Protein change: p.Val1322=; no amino-acid change (valine 1322 retained).
Molecular consequence: synonymous variant.
Genome position (GRCh38, 1-based): chr12:13,563,272, T>C on the plus strand (A>G on the coding strand, the complement: GRIN2B is on the minus strand). VCF-style: chr12-13563272-T-C. GRCh37 (hg19) VCF-style: chr12-13716206-T-C.
Identifiers: ClinVar variation 517964 (VCV000517964.9), dbSNP rs1555101821, ClinGen allele CA478848194.

ClinVar aggregate classification (germline): Likely benign. Review status: criteria provided, multiple submitters, no conflicts (2 of 4 stars). 4 submissions from 4 submitters: Likely benign (4). Last evaluated 2026-09-01.

Conditions:
Intellectual developmental disorder, autosomal dominant 6, with or without seizures. Also called: Intellectual disability, autosomal dominant 6; GRIN2B-related developmental delay, intellectual disability and autism spectrum disorder. Identifiers: Orphanet 589547, MedGen C3151411, MONDO:0013509, OMIM 613970.
Developmental and epileptic encephalopathy, 27 (DEE27). Also called: Epileptic encephalopathy, early infantile, 27; GRIN2B-Related Neurodevelopmental Disorder. Identifiers: Orphanet 3451, MedGen C4015316, MONDO:0014505, OMIM 616139.
Inborn genetic diseases. Identifiers: MedGen C0950123, MeSH D030342.

Submissions (4):

CeGaT Center for Human Genetics Tuebingen
Classification: Likely benign. Last evaluated: 2026-09-01. Review status: criteria provided, single submitter. Criteria: CeGaT Center For Human Genetics Tuebingen Variant Classification Criteria Version 2. Collection method: clinical testing. Allele origin: germline. Affected: yes. Observed: 1 variant allele.
Comment: GRIN2B: PM2:Supporting, BP4, BP7

Labcorp Genetics (formerly Invitae), Labcorp
Classification: Likely benign for Developmental and epileptic encephalopathy, 27; Intellectual developmental disorder, autosomal dominant 6, with or without seizures. Last evaluated: 2022-05-17. Review status: criteria provided, single submitter. Criteria: Invitae Variant Classification Sherloc (09022015). Collection method: clinical testing. Allele origin: germline.

Ambry Genetics
Classification: Likely benign for Inborn genetic diseases. Last evaluated: 2018-07-31. Review status: criteria provided, single submitter. Criteria: Ambry Variant Classification Scheme 2023. Collection method: clinical testing. Allele origin: germline.

GeneDx
Classification: Likely benign. Last evaluated: 2017-06-13. Review status: criteria provided, single submitter. Criteria: GeneDx Variant Classification (06012015). Collection method: clinical testing. Allele origin: germline. Affected: yes.
Comment: This variant is considered likely benign or benign based on one or more of the following criteria: it is a conservative change, it occurs at a poorly conserved position in the protein, it is predicted to be benign by multiple in silico algorithms, and/or has population frequency not consistent with disease.